The following is an entry in ClinVar:

NM_000256.3(MYBPC3):c.3293G>T (p.Trp1098Leu)

Gene: MYBPC3 (myosin binding protein C3; minus strand). Cytogenetic location: 11p11.2.
Variant type: single nucleotide variant.
Coding change: c.3293G>T on transcript NM_000256.3 (MANE Select); coding-DNA position 3293, G replaced by T.
Protein change: p.Trp1098Leu; replaces tryptophan 1098 with leucine.
Molecular consequence: missense variant.
Genome position (GRCh38, 1-based): chr11:47,333,231, C>A on the plus strand (G>T on the coding strand, the complement: MYBPC3 is on the minus strand). VCF-style: chr11-47333231-C-A. GRCh37 (hg19) VCF-style: chr11-47354782-C-A.
Other names: p.W1098L:TGG>TTG; c.3293G>T, p.Trp1098Leu (LRG_386t1); short protein forms W1098L.
Identifiers: ClinVar variation 181004 (VCV000181004.2), dbSNP rs397516013, ClinGen allele CA013821.

ClinVar aggregate classification (germline): Uncertain significance (1 of 4 stars; one submission).

Submission:

GeneDx
Classification: Uncertain significance. Last evaluated: 2012-12-06. Review status: criteria provided, single submitter. Criteria: GeneDx Variant Classification (06012015). Collection method: clinical testing. Allele origin: germline. Affected: yes.
Comment: This variant is denoted p.Trp1098Leu (TGG>TTG): c.3293 G>T in exon 30 of the MYBPC3 gene (NM_000256.3). The Trp1098Leu variant in the MYBPC3 gene has not been reported as a disease-causing mutation or as a benign polymorphism to our knowledge. Trp1098Leu results in a conservative amino acid substitution of one non-polar residue for another at a position that is conserved across species. In silico analysis predicts Trp1098Leu is benign to the protein structure/function. However, missense mutations affecting nearby residues (Glu1096Lys, Thr1109Ile) have been reported in association with HCM, supporting the functional importance of this region of the protein. Furthermore, the NHLBI ESP Exome Variant Server reports Trp1098Leu was not observed in approximately 6,000 samples from individuals of European and African American backgrounds, indicating it is not a common benign variant in these populations. With the clinical and molecular information available at this time, we cannot definitively determine if Trp1098Leu is a disease-causing mutation or a rare benign variant. The variant is found in HCM panel(s).